The following is an entry in ClinVar:

NM_000285.4(PEPD):c.709C>A (p.Arg237Ser)

Gene: PEPD (peptidase D; minus strand). Cytogenetic location: 19q13.11.
Variant type: single nucleotide variant.
Coding change: c.709C>A on transcript NM_000285.4 (MANE Select); coding-DNA position 709, C replaced by A.
Protein change: p.Arg237Ser; replaces arginine 237 with serine.
Molecular consequence: missense variant.
Genome position (GRCh38, 1-based): chr19:33,413,606, G>T on the plus strand (C>A on the coding strand, the complement: PEPD is on the minus strand). VCF-style: chr19-33413606-G-T. GRCh37 (hg19) VCF-style: chr19-33904512-G-T.
Other names: c.586C>A, p.Arg196Ser (NM_001166056.2); c.517C>A, p.Arg173Ser (NM_001166057.2); short protein forms R173S, R196S, R237S.
Identifiers: ClinVar variation 2108474 (VCV002108474.4), dbSNP rs766107449, ClinGen allele CA405222282.

ClinVar aggregate classification (germline): Uncertain significance (1 of 4 stars; one submission).

Submission:

Labcorp Genetics (formerly Invitae), Labcorp
Classification: Uncertain significance. Last evaluated: 2022-03-10. Review status: criteria provided, single submitter. Criteria: Invitae Variant Classification Sherloc (09022015). Collection method: clinical testing. Allele origin: germline.
Comment: This variant is not present in population databases (gnomAD no frequency). Algorithms developed to predict the effect of missense changes on protein structure and function (SIFT, PolyPhen-2, Align-GVGD) all suggest that this variant is likely to be disruptive. This variant has not been reported in the literature in individuals affected with PEPD-related conditions. This sequence change replaces arginine, which is basic and polar, with serine, which is neutral and polar, at codon 237 of the PEPD protein (p.Arg237Ser). In summary, the available evidence is currently insufficient to determine the role of this variant in disease. Therefore, it has been classified as a Variant of Uncertain Significance.